The following is an entry in ClinVar:

ClinVar aggregate classification (germline): Uncertain significance. Review status: criteria provided, multiple submitters, no conflicts (2 of 4 stars). 2 submissions from 2 submitters: Uncertain significance (2). Last evaluated 2025-03-24.

Conditions:
Brain small vessel disease 1 with or without ocular anomalies (BSVD1). Also called: Brain small vessel disease with or without ocular anomalies; PORENCEPHALY, TYPE 1, AUTOSOMAL DOMINANT; GOULD SYNDROME 1; BRAIN SMALL VESSEL DISEASE WITH HEMORRHAGE. Identifiers: Orphanet 2940, Orphanet 36383, Orphanet 99810, MedGen C4755307, MONDO:0008289, OMIM 175780.
COL4A1-related disorder. Also called: COL4A1-related disorders; COL4A1-related condition. Identifiers: MedGen CN376119, MONDO:0800461.

Allele frequency attached by ClinVar (database versions not stated): gnomAD exomes 0.00001.
gnomAD v4.1: 3 of 1,613,726 alleles (0.00019%); highest among the groups gnomAD compares: East Asian, 0.0067%; no homozygotes.

Submissions (2):

PreventionGenetics, part of Exact Sciences
Classification: Uncertain significance for COL4A1-related condition. Last evaluated: 2025-03-24. Review status: criteria provided, single submitter. Criteria: ACMG Guidelines, 2015. Collection method: clinical testing. Allele origin: germline.
Comment: The COL4A1 c.1837C>G variant is predicted to result in the amino acid substitution p.Pro613Ala. To our knowledge, this variant has not been reported in the literature. This variant is reported in 0.011% of alleles in individuals of East Asian descent in gnomAD. At this time, the clinical significance of this variant is uncertain due to the absence of conclusive functional and genetic evidence.

Victorian Clinical Genetics Services, Murdoch Childrens Research Institute
Classification: Uncertain significance for Brain small vessel disease 1 with or without ocular anomalies. Last evaluated: 2022-02-02. Review status: criteria provided, single submitter. Criteria: ACMG Guidelines, 2015. Collection method: clinical testing. Allele origin: germline. Inheritance: Autosomal dominant inheritance. Affected: yes.
Comment: Based on the classification scheme VCGS_Germline_v1.3.4, this variant is classified as VUS-3B. Following criteria are met: 0103 - Dominant negative and loss of function are known mechanisms of disease in this gene and are associated with COL4A1-related disorders. Missense variants affecting the glycine of the triple helix of collagen genes typically exert a dominant-negative effect however, functional studies proving this for COL4A1 is currently lacking (PMID: 16159887). (I) 0107 - This gene is associated with autosomal dominant disease. (I) 0112 - The condition associated with this gene has incomplete penetrance (PMID: 21625620, 30413629). (I) 0200 - Variant is predicted to result in a missense amino acid change from proline to alanine. (I) 0251 - This variant is heterozygous. (I) 0302 - Variant is present in gnomAD <0.001 for a dominant condition (v2: 2 heterozygotes, 0 homozygotes). (SP) 0309 - Multiple alternative amino acid change at the same position has been observed in gnomAD (highest allele count v2: 6 heterozygotes, 0 homozygotes). (I) 0502 - Missense variant with conflicting in silico predictions and uninformative conservation. (I) 0600 - Variant is located in the annotated triple helical region. Specifically, it is the X of the GXY repeat (Uniprot, UCSC). (I) 0705 - No comparable missense variants have previous evidence for pathogenicity. (I) 0807 - This variant has no previous evidence of pathogenicity. (I) 0905 - No published segregation evidence has been identified for this variant. (I) 1007 - No published functional evidence has been identified for this variant. (I) 1208 - Inheritance information for this variant is not currently available in this individual. (I) Legend: (SP) - Supporting pathogenic, (I) - Information, (SB) - Supporting benign

Literature cited by the submitters: PubMed 16159887 (cited by Victorian Clinical Genetics Services, Murdoch Childrens Research Institute); PubMed 21625620 (cited by Victorian Clinical Genetics Services, Murdoch Childrens Research Institute); PubMed 30413629 (cited by Victorian Clinical Genetics Services, Murdoch Childrens Research Institute).

NM_001845.6(COL4A1):c.1837C>G (p.Pro613Ala)

Gene: COL4A1 (collagen type IV alpha 1 chain; minus strand). Cytogenetic location: 13q34.
Variant type: single nucleotide variant.
Coding change: c.1837C>G on transcript NM_001845.6 (MANE Select); coding-DNA position 1837, C replaced by G.
Protein change: p.Pro613Ala; replaces proline 613 with alanine.
Molecular consequence: missense variant.
Genome position (GRCh38, 1-based): chr13:110,186,445, G>C on the plus strand (C>G on the coding strand, the complement: COL4A1 is on the minus strand). VCF-style: chr13-110186445-G-C. GRCh37 (hg19) VCF-style: chr13-110838792-G-C.
Other names: short protein forms P613A.
Identifiers: ClinVar variation 1699185 (VCV001699185.5), dbSNP rs1432737813, ClinGen allele CA388722633.